The following is an entry in ClinVar:

NM_001242896.3(DEPDC5):c.337_338dup (p.Asp113fs)

Gene: DEPDC5 (DEP domain containing 5, GATOR1 subcomplex subunit; plus strand). Cytogenetic location: 22q12.2.
Variant type: Duplication.
Coding change: c.337_338dup on transcript NM_001242896.3 (MANE Select); coding-DNA positions 337 to 338, 2 bases duplicated (GA; older notation c.337_338dupGA).
Protein change: p.Asp113fs; shifts the reading frame from aspartic acid 113.
Molecular consequence: frameshift variant. On other transcripts: non-coding transcript variant (5), intron variant (2).
Genome position (GRCh38, 1-based): chr22:31,766,642-31,766,643, GA duplicated. VCF-style (leftmost placement, unchanged base first): chr22-31766641-G-GGA. GRCh37 (hg19) VCF-style: chr22-32162627-G-GGA.
Other names: c.337_338dup, p.Asp113fs (NM_001007188.4, NM_001136029.4, NM_001242897.2 and 7 more transcripts); c.279+1582_279+1583dup (NM_001369902.1, NM_001369901.1); short protein forms D113fs.
Identifiers: ClinVar variation 4890768 (VCV004890768.1).

ClinVar aggregate classification (germline): Likely pathogenic (1 of 4 stars; one submission).

Conditions:
Epilepsy, familial focal, with variable foci 1 (FFEVF1). Also called: DEPDC5-Related Epilepsy. Identifiers: MedGen C4551983, MONDO:0024556, OMIM 604364.

Submission:

Solve-RD Consortium
Classification: Likely pathogenic for Epilepsy, familial focal, with variable foci 1. Review status: criteria provided, single submitter. Criteria: ACMG Guidelines, 2015. Collection method: provider interpretation. Allele origin: germline. Inheritance: Autosomal dominant inheritance. Affected: yes. Study: Solve-RD DIFT-EpiCARE reanalysis.
Comment: PVS1, PM2

Variant identified during reanalysis of unsolved cases by the Solve-RD project. The Solve-RD project has received funding from the European Union’s Horizon 2020 research and innovation programme under grant agreement No 779257.